The following is an entry in ClinVar:

ClinVar aggregate classification (germline): Uncertain significance (1 of 4 stars; one submission).

Submission:

Labcorp Genetics (formerly Invitae), Labcorp
Classification: Uncertain significance. Last evaluated: 2022-06-23. Review status: criteria provided, single submitter. Criteria: Invitae Variant Classification Sherloc (09022015). Collection method: clinical testing. Allele origin: germline.
Comment: This sequence change results in a frameshift in the HAND2 gene (p.Ser136Glnfs*206). While this is not anticipated to result in nonsense mediated decay, it is expected to disrupt the last 82 amino acid(s) of the HAND2 protein and extend the protein by 123 additional amino acid residues. This variant is not present in population databases (gnomAD no frequency). This variant has not been reported in the literature in individuals affected with HAND2-related conditions. Experimental studies and prediction algorithms are not available or were not evaluated, and the functional significance of this variant is currently unknown. In summary, the available evidence is currently insufficient to determine the role of this variant in disease. Therefore, it has been classified as a Variant of Uncertain Significance.

NM_021973.3(HAND2):c.406_407del (p.Ser136fs)

Genes: HAND2 (heart and neural crest derivatives expressed 2; minus strand), HAND2-AS1 (HAND2 antisense RNA 1; plus strand). Cytogenetic location: 4q34.1.
Variant type: Microsatellite.
Coding change: c.406_407del on transcript NM_021973.3 (MANE Select); coding-DNA positions 406 to 407, 2 bases deleted (TC; older notation c.406_407delTC).
Protein change: p.Ser136fs; shifts the reading frame from serine 136.
Molecular consequence: frameshift variant.
Genome position (GRCh38, 1-based): chr4:173,528,883-173,528,884, GA deleted on the plus strand (TC on the coding strand, the reverse complement: HAND2 is on the minus strand); deleting any 2 consecutive bases within chr4:173,528,883-173,528,887 gives the same sequence; the c. name uses the placement nearest the transcript's 3' end. VCF-style (leftmost placement, unchanged base first): chr4-173528882-GGA-G. GRCh37 (hg19) VCF-style: chr4-174450033-GGA-G.
Other names: short protein forms S136fs.
Identifiers: ClinVar variation 2135351 (VCV002135351.4), dbSNP rs2477195565, ClinGen allele CA2578234907.
Genomic context (GRCh38, chr4:173,528,882, plus strand): 5'-GGCCAGCAGGTCCATGAGGTAGGCGATGTAGCTGGTGGCCAGGCGCAGGGTCTTGATTTT[GGA>G]GAGTTTGGTGTCGGCGGGTACGTTGGGGATGCACTCGCGCAGTTCGGCGAAGGCGCTGTT-3'